The following is an entry in ClinVar:

ClinVar aggregate classification (germline): Uncertain significance. Review status: criteria provided, multiple submitters, no conflicts (2 of 4 stars). 2 submissions from 2 submitters: Uncertain significance (2). Last evaluated 2026-02-25.

Conditions:
Dystonia 5 (DRD). Also called: DYT-GCH1; DYSTONIA, PROGRESSIVE, WITH DIURNAL VARIATION; DYSTONIA-PARKINSONISM WITH DIURNAL FLUCTUATION; Dystonia, DOPA-responsive, with or without hyperphenylalaninemia; GTP Cyclohydrolase 1-Deficient Dopa-Responsive Dystonia. Identifiers: Orphanet 98808, MedGen C1851920, MONDO:0007495, OMIM 128230.
GTP cyclohydrolase I deficiency. Identifiers: MedGen C0268467, MONDO:0100184.

Allele frequency attached by ClinVar (database versions not stated): gnomAD exomes 0.00003 and 0.00001; gnomAD 0.00013 and 0.00012; ExAC 0.00003; TOPMed 0.00005.
gnomAD v4.1: 27 of 1,314,990 alleles (0.0021%); highest among the groups gnomAD compares: African/African-American, 0.029%; no homozygotes.

Submissions (2):

Dasa
Classification: Uncertain significance. Last evaluated: 2026-02-25. Review status: criteria provided, single submitter. Criteria: DASA Assertion Criteria. Collection method: clinical testing. Allele origin: germline.
Comment: NM_000161.3(GCH1):c.453+6G>A is a splice-region variant. This variant is rare in population databases. Computational prediction algorithms are consistent with a benign effect. The currently available literature and clinical evidence are not sufficient to establish a definitive association between this variant and the reported condition. Therefore, this variant is classified as a variant of uncertain significance.

Labcorp Genetics (formerly Invitae), Labcorp
Classification: Uncertain significance for GTP cyclohydrolase I deficiency; Dystonia 5. Last evaluated: 2026-01-05. Review status: criteria provided, single submitter. Criteria: Invitae Variant Classification Sherloc (09022015). Collection method: clinical testing. Allele origin: germline.
Comment: This sequence change falls in intron 2 of the GCH1 gene. It does not directly change the encoded amino acid sequence of the GCH1 protein. It affects a nucleotide within the consensus splice site. This variant is present in population databases (rs766668821, gnomAD 0.04%). This variant has not been reported in the literature in individuals affected with GCH1-related conditions. ClinVar contains an entry for this variant (Variation ID: 848833). Variants that disrupt the consensus splice site are a relatively common cause of aberrant splicing (PMID: 17576681, 9536098). Algorithms developed to predict the effect of sequence changes on RNA splicing suggest that this variant is not likely to affect RNA splicing. In summary, the available evidence is currently insufficient to determine the role of this variant in disease. Therefore, it has been classified as a Variant of Uncertain Significance.

Literature cited by the submitters: PubMed 17576681 (cited by Labcorp Genetics (formerly Invitae), Labcorp); PubMed 9536098 (cited by Labcorp Genetics (formerly Invitae), Labcorp).

NM_000161.3(GCH1):c.453+6G>A

Gene: GCH1 (GTP cyclohydrolase 1; minus strand). Cytogenetic location: 14q22.2.
Variant type: single nucleotide variant.
Coding change: c.453+6G>A on transcript NM_000161.3 (MANE Select); 6 bases into the intron after coding-DNA position 453, G replaced by A.
Molecular consequence: intron variant.
Genome position (GRCh38, 1-based): chr14:54,865,321, C>T on the plus strand (G>A on the coding strand, the complement: GCH1 is on the minus strand). VCF-style: chr14-54865321-C-T. GRCh37 (hg19) VCF-style: chr14-55332039-C-T.
Other names: c.453+6G>A (NM_001024071.2, NM_001024070.2, NM_001024024.2).
Identifiers: ClinVar variation 848833 (VCV000848833.11), dbSNP rs766668821, ClinGen allele CA7193598.
Genomic context (GRCh38, chr14:54,865,321, plus strand): 5'-AATTATTCTAATTGAAAAACTTTCACTATGTTTTAAATTGCTGGGAAACAACAAAGAGAA[C>T]CTTACCTTTCCAACAAATGGAACCAAGTGATGCTCACACATGGAAAACATGTCTATGTCC-3'